The following is an entry in ClinVar:

ClinVar aggregate classification (germline): Conflicting classifications of pathogenicity. Review status: criteria provided, conflicting classifications (1 of 4 stars). 5 submissions from 5 submitters: Uncertain significance (1); Likely benign (3). 1 of the submissions does not count toward it. Last evaluated 2025-03-10.

Conditions:
SRD5A3-related disorder. Also called: SRD5A3-Related Disorders; SRD5A3-related condition.
SRD5A3-congenital disorder of glycosylation. Also called: Ocular colobomas, ichthyosis, brain malformations and endocrine abnormalities; CDG Iq; SRD5A3-CDG; Congenital disorder of glycosylation type 1Q; COLOBOMA, OCULAR, WITH ICHTHYOSIS, BRAIN MALFORMATIONS, AND ENDOCRINE ABNORMALITIES. Identifiers: Orphanet 324737, MedGen C4317224, MONDO:0012885, OMIM 612379.

Allele frequency attached by ClinVar (database versions not stated): 1000 Genomes Project 30x 0.00016; 1000 Genomes Project 0.00020; TOPMed 0.00028; gnomAD 0.00032.
gnomAD v4.1: 67 of 1,575,952 alleles (0.0043%); highest among the groups gnomAD compares: African/African-American, 0.086%; no homozygotes.

Submissions (5):

Labcorp Genetics (formerly Invitae), Labcorp
Classification: Likely benign for SRD5A3-congenital disorder of glycosylation. Last evaluated: 2025-03-10. Review status: criteria provided, single submitter. Criteria: Invitae Variant Classification Sherloc (09022015). Collection method: clinical testing. Allele origin: germline.

Blueprint Genetics
Classification: Likely benign. Last evaluated: 2024-06-10. Review status: criteria provided, single submitter. Criteria: ACMG Guidelines, 2015. Collection method: clinical testing. Allele origin: germline.

GeneDx
Classification: Likely benign. Last evaluated: 2017-03-15. Review status: criteria provided, single submitter. Criteria: GeneDx Variant Classification (06012015). Collection method: clinical testing. Allele origin: germline. Affected: yes.
Comment: This variant is considered likely benign or benign based on one or more of the following criteria: it is a conservative change, it occurs at a poorly conserved position in the protein, it is predicted to be benign by multiple in silico algorithms, and/or has population frequency not consistent with disease.

Eurofins Ntd Llc (ga)
Classification: Uncertain significance. Last evaluated: 2015-05-05. Review status: criteria provided, single submitter. Criteria: EGL Classification Definitions 2015. Collection method: clinical testing. Allele origin: germline. Observed: 1 variant allele, 1 heterozygote.

PreventionGenetics, part of Exact Sciences
Classification: Likely benign for SRD5A3-related condition. Last evaluated: 2020-05-11. Review status: no assertion criteria provided. Collection method: clinical testing. Allele origin: germline. Not counted in ClinVar's aggregate classification.
Comment: This variant is classified as likely benign based on ACMG/AMP sequence variant interpretation guidelines (Richards et al. 2015 PMID: 25741868, with internal and published modifications).

NM_024592.5(SRD5A3):c.51G>T (p.Ala17=)

Gene: SRD5A3 (steroid 5 alpha-reductase 3; plus strand). Cytogenetic location: 4q12.
Variant type: single nucleotide variant.
Coding change: c.51G>T on transcript NM_024592.5 (MANE Select); coding-DNA position 51, G replaced by T.
Protein change: p.Ala17=; no amino-acid change (alanine 17 retained).
Molecular consequence: synonymous variant.
Genome position (GRCh38, 1-based): chr4:55,346,387, G>T. VCF-style: chr4-55346387-G-T. GRCh37 (hg19) VCF-style: chr4-56212554-G-T.
Identifiers: ClinVar variation 193455 (VCV000193455.17), dbSNP rs201123766, ClinGen allele CA238974.
Genomic context (GRCh38, chr4:55,346,387, plus strand): 5'-CACGCGGGCCATGGCTCCCTGGGCGGAGGCCGAGCACTCGGCGCTGAACCCGCTGCGCGC[G>T]GTGTGGCTCACGCTGACCGCCGCCTTCCTGCTGACCCTACTGCTGCAGCTCCTGCCGCCC-3'
Protein context (NP_078868.1, residues 7-27): AEHSALNPLR[Ala17=]VWLTLTAAFL